The following is an entry in ClinVar:

ClinVar aggregate classification (germline): Uncertain significance (1 of 4 stars; one submission).

Conditions:
HYPERHOMOCYSTEINEMIA, THROMBOTIC, CBS-RELATED. Identifiers: MedGen C3150344, OMIM 236200.

Submission:

Labcorp Genetics (formerly Invitae), Labcorp
Classification: Uncertain significance for HYPERHOMOCYSTEINEMIA, THROMBOTIC, CBS-RELATED. Last evaluated: 2019-12-03. Review status: criteria provided, single submitter. Criteria: Invitae Variant Classification Sherloc (09022015). Collection method: clinical testing. Allele origin: germline.
Comment: In summary, the available evidence is currently insufficient to determine the role of this variant in disease. Therefore, it has been classified as a Variant of Uncertain Significance. Algorithms developed to predict the effect of missense changes on protein structure and function are either unavailable or do not agree on the potential impact of this missense change (SIFT: "Not Available"; PolyPhen-2: "Probably Damaging"; Align-GVGD: "Not Available"). This variant has not been reported in the literature in individuals with CBS-related conditions. The frequency data for this variant in the population databases is considered unreliable, as metrics indicate insufficient coverage at this position in the ExAC database. This sequence change replaces tyrosine with cysteine at codon 233 of the CBS protein (p.Tyr233Cys). The tyrosine residue is highly conserved and there is a large physicochemical difference between tyrosine and cysteine.

NM_000071.3(CBS):c.698_699inv (p.Tyr233Cys)

Gene: CBS (cystathionine beta-synthase; minus strand). Cytogenetic location: 21q22.3.
Variant type: Inversion.
Coding change: c.698_699inv on transcript NM_000071.3 (MANE Select).
Protein change: p.Tyr233Cys; replaces tyrosine 233 with cysteine.
Molecular consequence: missense variant.
Genome position: GRCh38 VCF-style: chr21-43065240-GT-AC. GRCh37 (hg19) VCF-style: chr21-44485350-GT-AC.
Other names: c.698_699inv, p.Tyr233Cys (NM_001178008.3, NM_001178009.3, NM_001320298.2); c.383_384inv, p.Tyr128Cys (NM_001321072.1); short protein forms Y233C, Y128C.
Identifiers: ClinVar variation 859601 (VCV000859601.9), ClinGen allele CA916082480.